The following is an entry in ClinVar:

ClinVar aggregate classification (germline): Likely pathogenic (0 of 4 stars; one submission).

Conditions:
Dilated cardiomyopathy 1G (CMD1G). Identifiers: Orphanet 154, MedGen C1858763, MONDO:0011400, OMIM 604145.

Submission:

Diagnostics Centre, Carl Von Ossietzky University Oldenburg
Classification: Likely pathogenic for Dilated cardiomyopathy 1G. Last evaluated: 2024-03-04. Review status: no assertion criteria provided. Collection method: clinical testing. Allele origin: germline. Affected: yes. Observed: 1 variant allele.
Comment: This change results in the formation of a premature stop codon at protein position 24176. The variant affects an exon [326/363] present in a biologically relevant transcript and is predicted to cause protein truncation/absent due to nonsense mediated decay in a gene where loss-of-function is a known mechanism of disease. The variant has not yet been described in ClinVar. This variant is classified as very rare since it is absent in gnomAD v4.1.0. In summary, the variant is classified as likely pathogenic.

NM_001267550.2(TTN):c.72526G>T (p.Glu24176Ter)

Genes: TTN-AS1 (TTN antisense RNA 1; plus strand), TTN (titin; minus strand). Cytogenetic location: 2q31.2.
Variant type: single nucleotide variant.
Coding change: c.72526G>T on transcript NM_001267550.2 (MANE Select); coding-DNA position 72526, G replaced by T.
Protein change: p.Glu24176Ter; replaces glutamic acid 24176 with a stop codon.
Molecular consequence: nonsense.
Genome position (GRCh38, 1-based): chr2:178,573,606, C>A on the plus strand (G>T on the coding strand, the complement: TTN is on the minus strand). VCF-style: chr2-178573606-C-A. GRCh37 (hg19) VCF-style: chr2-179438333-C-A.
Other names: c.67603G>T, p.Glu22535Ter (NM_001256850.1); c.45331G>T, p.Glu15111Ter (NM_003319.4); c.64822G>T, p.Glu21608Ter (NM_133378.4); c.45706G>T, p.Glu15236Ter (NM_133432.3); c.45907G>T, p.Glu15303Ter (NM_133437.4); short protein forms E15111*, E15236*, E15303*, E21608*, E22535*, E24176*.
Identifiers: ClinVar variation 3390982 (VCV003390982.2).